The following is an entry in ClinVar:

ClinVar aggregate classification (germline): Likely benign (1 of 4 stars; one submission).

gnomAD v4.1: 103 of 1,537,088 alleles (0.0067%); highest among the groups gnomAD compares: South Asian, 0.0083%; no homozygotes.

Submission:

CeGaT Center for Human Genetics Tuebingen
Classification: Likely benign. Last evaluated: 2026-07-01. Review status: criteria provided, single submitter. Criteria: CeGaT Center For Human Genetics Tuebingen Variant Classification Criteria Version 2. Collection method: clinical testing. Allele origin: germline. Affected: yes. Observed: 1 variant allele.
Comment: STARD9: BP4, BP7

NM_020759.3(STARD9):c.13917C>T (p.Arg4639=)

Gene: STARD9 (StAR related lipid transfer domain containing 9; plus strand). Cytogenetic location: 15q15.2.
Variant type: single nucleotide variant.
Coding change: c.13917C>T on transcript NM_020759.3 (MANE Select); coding-DNA position 13917, C replaced by T.
Protein change: p.Arg4639=; no amino-acid change (arginine 4639 retained).
Molecular consequence: synonymous variant.
Genome position (GRCh38, 1-based): chr15:42,718,826, C>T. VCF-style: chr15-42718826-C-T. GRCh37 (hg19) VCF-style: chr15-43011024-C-T.
Identifiers: ClinVar variation 5039427 (VCV005039427.1).